The following is an entry in ClinVar:

NM_032380.5(GFM2):c.1479C>T (p.Thr493=)

Gene: GFM2 (GTP dependent ribosome recycling factor mitochondrial 2; minus strand). Cytogenetic location: 5q13.3.
Variant type: single nucleotide variant.
Coding change: c.1479C>T on transcript NM_032380.5 (MANE Select); coding-DNA position 1479, C replaced by T.
Protein change: p.Thr493=; no amino-acid change (threonine 493 retained).
Molecular consequence: synonymous variant. On other transcripts: non-coding transcript variant (1).
Genome position (GRCh38, 1-based): chr5:74,736,827, G>A on the plus strand (C>T on the coding strand, the complement: GFM2 is on the minus strand). VCF-style: chr5-74736827-G-A. GRCh37 (hg19) VCF-style: chr5-74032652-G-A.
Other names: c.1575C>T, p.Thr525= (NM_001281302.2); c.1479C>T, p.Thr493= (NM_170681.3); c.1338C>T, p.Thr446= (NM_170691.3).
Identifiers: ClinVar variation 3051331 (VCV003051331.3), dbSNP rs577899789, ClinGen allele CA3306525.
Genomic context (GRCh38, chr5:74,736,827, plus strand): 5'-ATTAGTTGACACACTAAGACCATTTATACCTGGCTGCTTAGACAGTGATGGGGGTTCTAT[G>A]GTACAGAAGAAAACAGGTTCTGGAATCTCCACTCCAGCCAATAAAAGTCTCTCTGCTTCA-3'
Protein context (NP_115756.2, residues 483-503): VEIPEPVFFC[Thr493=]IEPPSLSKQP

ClinVar aggregate classification (germline): Likely benign. Review status: criteria provided, single submitter (1 of 4 stars). 2 submissions from 2 submitters: Likely benign (1). 1 of the submissions does not count toward it. Last evaluated 2024-03-20.

Conditions:
GFM2-related disorder. Also called: GFM2-related condition.

Allele frequency attached by ClinVar (database versions not stated): gnomAD 0.00001; gnomAD exomes 0.00003; ExAC 0.00011; 1000 Genomes Project 0.00020; 1000 Genomes Project 30x 0.00047.
gnomAD v4.1: 58 of 1,613,884 alleles (0.0036%); highest among the groups gnomAD compares: South Asian, 0.052%; 1 homozygote.

Submissions (2):

Blueprint Genetics
Classification: Likely benign. Last evaluated: 2024-03-20. Review status: criteria provided, single submitter. Criteria: ACMG Guidelines, 2015. Collection method: clinical testing. Allele origin: germline.

PreventionGenetics, part of Exact Sciences
Classification: Likely benign for GFM2-related condition. Last evaluated: 2023-10-27. Review status: no assertion criteria provided. Collection method: clinical testing. Allele origin: germline. Not counted in ClinVar's aggregate classification.
Comment: This variant is classified as likely benign based on ACMG/AMP sequence variant interpretation guidelines (Richards et al. 2015 PMID: 25741868, with internal and published modifications).